The following is an entry in ClinVar:

NM_000722.4(CACNA2D1):c.890A>G (p.Asn297Ser)

Gene: CACNA2D1 (calcium voltage-gated channel auxiliary subunit alpha2delta 1; minus strand). Cytogenetic location: 7q21.11.
Variant type: single nucleotide variant.
Coding change: c.890A>G on transcript NM_000722.4 (MANE Select); coding-DNA position 890, A replaced by G.
Protein change: p.Asn297Ser; replaces asparagine 297 with serine.
Molecular consequence: missense variant.
Genome position (GRCh38, 1-based): chr7:82,038,225, T>C on the plus strand (A>G on the coding strand, the complement: CACNA2D1 is on the minus strand). VCF-style: chr7-82038225-T-C. GRCh37 (hg19) VCF-style: chr7-81667541-T-C.
Other names: c.890A>G, p.Asn297Ser (NM_001366867.1); short protein forms N297S.
Identifiers: ClinVar variation 3262816 (VCV003262816.1).

ClinVar aggregate classification (germline): Uncertain significance (1 of 4 stars; one submission).

Conditions:
Cardiovascular phenotype. Identifiers: MedGen CN230736.

gnomAD v4.1: 3 of 1,613,024 alleles (0.00019%); highest among the groups gnomAD compares: South Asian, 0.0011%; no homozygotes.

Submission:

Ambry Genetics
Classification: Uncertain significance for Cardiovascular phenotype. Last evaluated: 2024-05-07. Review status: criteria provided, single submitter. Criteria: Ambry Variant Classification Scheme 2023. Collection method: clinical testing. Allele origin: germline.
Comment: The p.N297S variant (also known as c.890A>G), located in coding exon 11 of the CACNA2D1 gene, results from an A to G substitution at nucleotide position 890. The asparagine at codon 297 is replaced by serine, an amino acid with highly similar properties. This amino acid position is conserved. In addition, this alteration is predicted to be tolerated by in silico analysis. Based on the available evidence, the clinical significance of this variant remains unclear.